The following is an entry in ClinVar:

NM_006231.4(POLE):c.3091G>A (p.Glu1031Lys)

Gene: POLE (DNA polymerase epsilon, catalytic subunit; minus strand). Cytogenetic location: 12q24.33.
Variant type: single nucleotide variant.
Coding change: c.3091G>A on transcript NM_006231.4 (MANE Select); coding-DNA position 3091, G replaced by A.
Protein change: p.Glu1031Lys; replaces glutamic acid 1031 with lysine.
Molecular consequence: missense variant.
Genome position (GRCh38, 1-based): chr12:132,659,479, C>T on the plus strand (G>A on the coding strand, the complement: POLE is on the minus strand). VCF-style: chr12-132659479-C-T. GRCh37 (hg19) VCF-style: chr12-133236065-C-T.
Other names: c.3091G>A (NM_006231.2); short protein forms E1031K.
Identifiers: ClinVar variation 1447666 (VCV001447666.9), dbSNP rs761261349, ClinGen allele CA6893357.

ClinVar aggregate classification (germline): Uncertain significance. Review status: criteria provided, multiple submitters, no conflicts (2 of 4 stars). 2 submissions from 2 submitters: Uncertain significance (2). Last evaluated 2025-09-29.

Conditions:
Hereditary cancer-predisposing syndrome. Also called: Hereditary Cancer Syndrome; Hereditary neoplastic syndrome; Neoplastic Syndromes, Hereditary; Tumor predisposition. Identifiers: Orphanet 140162, MedGen C0027672, MeSH D009386, MONDO:0015356.

Allele frequency attached by ClinVar (database versions not stated): TOPMed below 0.00001; ExAC 0.00001; gnomAD 0.00001; gnomAD exomes 0.00001.

Submissions (2):

Labcorp Genetics (formerly Invitae), Labcorp
Classification: Uncertain significance. Last evaluated: 2025-09-29. Review status: criteria provided, single submitter. Criteria: Invitae Variant Classification Sherloc (09022015). Collection method: clinical testing. Allele origin: germline.
Comment: This sequence change replaces glutamic acid, which is acidic and polar, with lysine, which is basic and polar, at codon 1031 of the POLE protein (p.Glu1031Lys). This variant is present in population databases (rs761261349, gnomAD 0.007%). This variant has not been reported in the literature in individuals affected with POLE-related conditions. ClinVar contains an entry for this variant (Variation ID: 1447666). Invitae Evidence Modeling of protein sequence and biophysical properties (such as structural, functional, and spatial information, amino acid conservation, physicochemical variation, residue mobility, and thermodynamic stability) indicates that this missense variant is expected to disrupt POLE protein function with a positive predictive value of 80%. In summary, the available evidence is currently insufficient to determine the role of this variant in disease. Therefore, it has been classified as a Variant of Uncertain Significance.

Ambry Genetics
Classification: Uncertain significance for Hereditary cancer-predisposing syndrome. Last evaluated: 2025-07-30. Review status: criteria provided, single submitter. Criteria: Ambry Variant Classification Scheme 2023. Collection method: clinical testing. Allele origin: germline.
Comment: The p.E1031K variant (also known as c.3091G>A), located in coding exon 26 of the POLE gene, results from a G to A substitution at nucleotide position 3091. The glutamic acid at codon 1031 is replaced by lysine, an amino acid with similar properties. This amino acid position is highly conserved in available vertebrate species. In addition, the in silico prediction for this alteration is inconclusive. Based on the available evidence, the clinical significance of this variant remains unclear.